The following is an entry in ClinVar:

NM_006017.3(PROM1):c.1446_1454+12delinsGGTTCTTCACTCCCCAAAGGAATTGTTTCAAACCTTAACCACTGACCTAGAGCCCCATCTCACTCCCTACTGCTGATTCTTCATGATCTTATCAAAAAGAGAATATTGACTTAGAACCCACACAGCTCTCTCCCTGCAGAGCATTCAAAGCCATTACACCACATCCTAGCTTACATTTCTGGCTCTGGCCCCGGTTGCACCTGGCTCATGCCTGCTATGCTTTGTCGTATCCATAGAGTCACAGGTTTTTCAAAGACACTAACTTGGAGGTG

Gene: PROM1 (prominin 1; minus strand). Cytogenetic location: 4p15.32.
Variant type: Indel.
Coding change: c.1446_1454+12delinsGGTTCTTCACTCCCCAAAGGAATTGTTTCAAACCTTAACCACTGACCTAGAGCCCCATCTCACTCCCTACTGCTGATTCTTCATGATCTTATCAAAAAGAGAATATTGACTTAGAACCCACACAGCTCTCTCCCTGCAGAGCATTCAAAGCCATTACACCACATCCTAGCTTACATTTCTGGCTCTGGCCCCGGTTGCACCTGGCTCATGCCTGCTATGCTTTGTCGTATCCATAGAGTCACAGGTTTTTCAAAGACACTAACTTGGAGGTG on transcript NM_006017.3 (MANE Select); coding-DNA position 1446 through 12 bases into the intron after coding-DNA position 1454, the reference bases replaced by an inserted sequence.
Molecular consequence: splice donor variant.
Genome position (GRCh38, 1-based): chr4:16,006,526-16,006,546, 21 bases replaced. GRCh37 (hg19): chr4:16,008,149-16,008,169.
Other names: c.1080_1088+12delinsGGTTCTTCACTCCCCAAAGGAATTGTTTCAAACCTTAACCACTGACCTAGAGCCCCATCTCACTCCCTACTGCTGATTCTTCATGATCTTATCAAAAAGAGAATATTGACTTAGAACCCACACAGCTCTCTCCCTGCAGAGCATTCAAAGCCATTACACCACATCCTAGCTTACATTTCTGGCTCTGGCCCCGGTTGCACCTGGCTCATGCCTGCTATGCTTTGTCGTATCCATAGAGTCACAGGTTTTTCAAAGACACTAACTTGGAGGTG (NM_001441179.1); c.1335_1343+12delinsGGTTCTTCACTCCCCAAAGGAATTGTTTCAAACCTTAACCACTGACCTAGAGCCCCATCTCACTCCCTACTGCTGATTCTTCATGATCTTATCAAAAAGAGAATATTGACTTAGAACCCACACAGCTCTCTCCCTGCAGAGCATTCAAAGCCATTACACCACATCCTAGCTTACATTTCTGGCTCTGGCCCCGGTTGCACCTGGCTCATGCCTGCTATGCTTTGTCGTATCCATAGAGTCACAGGTTTTTCAAAGACACTAACTTGGAGGTG (NM_001441174.1); c.1419_1427+12delinsGGTTCTTCACTCCCCAAAGGAATTGTTTCAAACCTTAACCACTGACCTAGAGCCCCATCTCACTCCCTACTGCTGATTCTTCATGATCTTATCAAAAAGAGAATATTGACTTAGAACCCACACAGCTCTCTCCCTGCAGAGCATTCAAAGCCATTACACCACATCCTAGCTTACATTTCTGGCTCTGGCCCCGGTTGCACCTGGCTCATGCCTGCTATGCTTTGTCGTATCCATAGAGTCACAGGTTTTTCAAAGACACTAACTTGGAGGTG (NM_001441177.1, NM_001441178.1, NM_001441176.1 and 9 more transcripts); c.1446_1454+12delinsGGTTCTTCACTCCCCAAAGGAATTGTTTCAAACCTTAACCACTGACCTAGAGCCCCATCTCACTCCCTACTGCTGATTCTTCATGATCTTATCAAAAAGAGAATATTGACTTAGAACCCACACAGCTCTCTCCCTGCAGAGCATTCAAAGCCATTACACCACATCCTAGCTTACATTTCTGGCTCTGGCCCCGGTTGCACCTGGCTCATGCCTGCTATGCTTTGTCGTATCCATAGAGTCACAGGTTTTTCAAAGACACTAACTTGGAGGTG (NM_001145850.2, NM_001145849.2).
Identifiers: ClinVar variation 4727053 (VCV004727053.1).

ClinVar aggregate classification (germline): Likely pathogenic (1 of 4 stars; one submission).

Submission:

Labcorp Genetics (formerly Invitae), Labcorp
Classification: Likely pathogenic. Last evaluated: 2025-09-11. Review status: criteria provided, single submitter. Criteria: Invitae Variant Classification Sherloc (09022015). Collection method: clinical testing. Allele origin: germline.
Comment: This variant results in the deletion of part of exon 12 (c.1446_1454+12delins272) of the PROM1 gene. It is expected to disrupt RNA splicing. Variants that disrupt the donor or acceptor splice site typically lead to a loss of protein function (PMID: 16199547), and loss-of-function variants in PROM1 are known to be pathogenic (PMID: 17605048, 19718270, 24154662, 25474345). This variant is not present in population databases (gnomAD no frequency). This variant has not been reported in the literature in individuals affected with PROM1-related conditions. In summary, the currently available evidence indicates that the variant is pathogenic, but additional data are needed to prove that conclusively. Therefore, this variant has been classified as Likely Pathogenic.

Literature cited by the submitters: PubMed 16199547; PubMed 17605048; PubMed 19718270; PubMed 24154662; PubMed 25474345.